The following is an entry in ClinVar:

NM_006118.4(HAX1):c.820C>T (p.Arg274Cys)

Gene: HAX1 (HCLS1 associated protein X-1; plus strand). Cytogenetic location: 1q21.3.
Variant type: single nucleotide variant.
Coding change: c.820C>T on transcript NM_006118.4 (MANE Select); coding-DNA position 820, C replaced by T.
Protein change: p.Arg274Cys; replaces arginine 274 with cysteine.
Molecular consequence: missense variant.
Genome position (GRCh38, 1-based): chr1:154,275,681, C>T. VCF-style: chr1-154275681-C-T. GRCh37 (hg19) VCF-style: chr1-154248157-C-T.
Other names: c.676C>T, p.Arg226Cys (NM_001018837.2); short protein forms R226C, R274C.
Identifiers: ClinVar variation 961625 (VCV000961625.11), dbSNP rs753078666, ClinGen allele CA1127480.
Genomic context (GRCh38, chr1:154,275,681, plus strand): 5'-GAATCACCAAGACCTCCAGCCCTGGATGATGCCTTTTCCATCCTGGACTTATTCCTGGGA[C>T]GTTGGTTCCGGTCCCGGTAGCCTTGTTAACCCTCAGAGGCCTTCAAGTCCTTTCCACCTC-3'
Protein context (NP_006109.2, residues 264-279): AFSILDLFLG[Arg274Cys]WFRSR

ClinVar aggregate classification (germline): Uncertain significance. Review status: criteria provided, multiple submitters, no conflicts (2 of 4 stars). 3 submissions from 3 submitters: Uncertain significance (2). 1 of the submissions does not count toward it. Last evaluated 2025-02-22.

Conditions:
Inborn genetic diseases. Identifiers: MedGen C0950123, MeSH D030342.
Kostmann syndrome (SCN3). Also called: KOSTMANN DISEASE; Autosomal recessive severe congenital neutropenia type 3. Identifiers: Orphanet 99749, MedGen C5235141, MONDO:0012548, OMIM 610738.

Allele frequency attached by ClinVar (database versions not stated): gnomAD exomes below 0.00001 and 0.00001; TOPMed below 0.00001; ExAC 0.00001.
gnomAD v4.1: 13 of 1,613,484 alleles (0.00081%); highest among the groups gnomAD compares: South Asian, 0.0044%; 1 homozygote.

Submissions (3):

Ambry Genetics
Classification: Uncertain significance for Inborn genetic diseases. Last evaluated: 2025-02-22. Review status: criteria provided, single submitter. Criteria: Ambry Variant Classification Scheme 2023. Collection method: clinical testing. Allele origin: germline.
Comment: The p.R274C variant (also known as c.820C>T), located in coding exon 7 of the HAX1 gene, results from a C to T substitution at nucleotide position 820. The arginine at codon 274 is replaced by cysteine, an amino acid with highly dissimilar properties. This amino acid position is conserved. In addition, the in silico prediction for this alteration is inconclusive. Based on the available evidence, the clinical significance of this variant remains unclear.

Labcorp Genetics (formerly Invitae), Labcorp
Classification: Uncertain significance for Kostmann syndrome. Last evaluated: 2024-11-19. Review status: criteria provided, single submitter. Criteria: Invitae Variant Classification Sherloc (09022015). Collection method: clinical testing. Allele origin: germline.
Comment: This sequence change replaces arginine, which is basic and polar, with cysteine, which is neutral and slightly polar, at codon 274 of the HAX1 protein (p.Arg274Cys). This variant is present in population databases (rs753078666, gnomAD 0.003%). This variant has not been reported in the literature in individuals affected with HAX1-related conditions. ClinVar contains an entry for this variant (Variation ID: 961625). Invitae Evidence Modeling of protein sequence and biophysical properties (such as structural, functional, and spatial information, amino acid conservation, physicochemical variation, residue mobility, and thermodynamic stability) indicates that this missense variant is not expected to disrupt HAX1 protein function with a negative predictive value of 80%. In summary, the available evidence is currently insufficient to determine the role of this variant in disease. Therefore, it has been classified as a Variant of Uncertain Significance.

Natera, Inc.
Classification: Uncertain significance for Autosomal recessive severe congenital neutropenia type 3. Last evaluated: 2020-12-29. Review status: no assertion criteria provided. Collection method: clinical testing. Allele origin: germline. Not counted in ClinVar's aggregate classification.